The following is an entry in ClinVar:

ClinVar aggregate classification (germline): Uncertain significance (1 of 4 stars; one submission).

Conditions:
Hereditary cancer-predisposing syndrome. Also called: Neoplastic Syndromes, Hereditary; Tumor predisposition; Hereditary neoplastic syndrome; Hereditary Cancer Syndrome. Identifiers: Orphanet 140162, MedGen C0027672, MeSH D009386, MONDO:0015356.

gnomAD v4.1: 1 of 1,614,080 alleles (0.000062%); highest among the groups gnomAD compares: Non-Finnish European, 0.000085%; no homozygotes.

Submission:

Ambry Genetics
Classification: Uncertain significance for Hereditary cancer-predisposing syndrome. Last evaluated: 2026-07-07. Review status: criteria provided, single submitter. Criteria: Ambry Variant Classification Scheme 2023. Collection method: clinical testing. Allele origin: germline.
Comment: The p.D406A variant (also known as c.1217A>C), located in coding exon 12 of the POLE gene, results from an A to C substitution at nucleotide position 1217. The aspartic acid at codon 406 is replaced by alanine, an amino acid with dissimilar properties. This amino acid position is conserved. In addition, this alteration is predicted to be deleterious by in silico analysis. Based on the available evidence, the clinical significance of this variant remains unclear.

NM_006231.4(POLE):c.1217A>C (p.Asp406Ala)

Gene: POLE (DNA polymerase epsilon, catalytic subunit; minus strand). Cytogenetic location: 12q24.33.
Variant type: single nucleotide variant.
Coding change: c.1217A>C on transcript NM_006231.4 (MANE Select); coding-DNA position 1217, A replaced by C.
Protein change: p.Asp406Ala; replaces aspartic acid 406 with alanine.
Molecular consequence: missense variant.
Genome position (GRCh38, 1-based): chr12:132,675,407, T>G on the plus strand (A>C on the coding strand, the complement: POLE is on the minus strand). VCF-style: chr12-132675407-T-G. GRCh37 (hg19) VCF-style: chr12-133251993-T-G.
Other names: short protein forms D406A.
Identifiers: ClinVar variation 5027066 (VCV005027066.1).